The following is an entry in ClinVar:

NM_001273.5(CHD4):c.2460G>C (p.Glu820Asp)

Gene: CHD4 (chromodomain helicase DNA binding protein 4; minus strand). Cytogenetic location: 12p13.31.
Variant type: single nucleotide variant.
Coding change: c.2460G>C on transcript NM_001273.5 (MANE Select); coding-DNA position 2460, G replaced by C.
Protein change: p.Glu820Asp; replaces glutamic acid 820 with aspartic acid.
Molecular consequence: missense variant.
Genome position (GRCh38, 1-based): chr12:6,593,470, C>G on the plus strand (G>C on the coding strand, the complement: CHD4 is on the minus strand). VCF-style: chr12-6593470-C-G. GRCh37 (hg19) VCF-style: chr12-6702636-C-G.
Other names: c.2439G>C, p.Glu813Asp (NM_001297553.2); c.2421G>C, p.Glu807Asp (NM_001363606.2); short protein forms E820D, E807D, E813D.
Identifiers: ClinVar variation 2771811 (VCV002771811.3), dbSNP rs2540399342, ClinGen allele CA383593102.

ClinVar aggregate classification (germline): Uncertain significance (1 of 4 stars; one submission).

Submission:

Labcorp Genetics (formerly Invitae), Labcorp
Classification: Uncertain significance. Last evaluated: 2023-11-02. Review status: criteria provided, single submitter. Criteria: Invitae Variant Classification Sherloc (09022015). Collection method: clinical testing. Allele origin: germline.
Comment: This sequence change replaces glutamic acid, which is acidic and polar, with aspartic acid, which is acidic and polar, at codon 820 of the CHD4 protein (p.Glu820Asp). This variant is not present in population databases (gnomAD no frequency). This variant has not been reported in the literature in individuals affected with CHD4-related conditions. Advanced modeling of protein sequence and biophysical properties (such as structural, functional, and spatial information, amino acid conservation, physicochemical variation, residue mobility, and thermodynamic stability) performed at Invitae indicates that this missense variant is expected to disrupt CHD4 protein function with a positive predictive value of 80%. In summary, the available evidence is currently insufficient to determine the role of this variant in disease. Therefore, it has been classified as a Variant of Uncertain Significance.